The following is an entry in ClinVar:

ClinVar aggregate classification (germline): Uncertain significance. Review status: criteria provided, multiple submitters, no conflicts (2 of 4 stars). 4 submissions from 4 submitters: Uncertain significance (4). Last evaluated 2025-12-08.

Conditions:
Inborn genetic diseases. Identifiers: MedGen C0950123, MeSH D030342.

Allele frequency attached by ClinVar (database versions not stated): gnomAD exomes 0.00010; TOPMed 0.00012; gnomAD 0.00014; ExAC 0.00016.
gnomAD v4.1: 171 of 1,573,944 alleles (0.011%); highest among the groups gnomAD compares: Middle Eastern, 0.051%; no homozygotes.

Submissions (4):

Labcorp Genetics (formerly Invitae), Labcorp
Classification: Uncertain significance. Last evaluated: 2025-12-08. Review status: criteria provided, single submitter. Criteria: Invitae Variant Classification Sherloc (09022015). Collection method: clinical testing. Allele origin: germline.
Comment: This sequence change replaces proline, which is neutral and non-polar, with alanine, which is neutral and non-polar, at codon 3364 of the LAMA5 protein (p.Pro3364Ala). This variant is present in population databases (rs200286650, gnomAD 0.09%). This variant has not been reported in the literature in individuals affected with LAMA5-related conditions. ClinVar contains an entry for this variant (Variation ID: 2148628). An algorithm developed to predict the effect of missense changes on protein structure and function (PolyPhen-2) suggests that this variant is likely to be tolerated. In summary, the available evidence is currently insufficient to determine the role of this variant in disease. Therefore, it has been classified as a Variant of Uncertain Significance.

CeGaT Center for Human Genetics Tuebingen
Classification: Uncertain significance. Last evaluated: 2025-10-01. Review status: criteria provided, single submitter. Criteria: CeGaT Center For Human Genetics Tuebingen Variant Classification Criteria Version 2. Collection method: clinical testing. Allele origin: germline. Affected: yes. Observed: 2 variant alleles.
Comment: LAMA5: PM2, BP4

Ambry Genetics
Classification: Uncertain significance for Inborn genetic diseases. Last evaluated: 2025-03-30. Review status: criteria provided, single submitter. Criteria: Ambry Variant Classification Scheme 2023. Collection method: clinical testing. Allele origin: germline.

Mayo Clinic Laboratories, Mayo Clinic
Classification: Uncertain significance. Last evaluated: 2023-11-15. Review status: criteria provided, single submitter. Criteria: ACMG Guidelines, 2015. Collection method: clinical testing. Allele origin: germline. Observed: 1 variant allele.
Comment: BP4

NM_005560.6(LAMA5):c.10090C>G (p.Pro3364Ala)

Gene: LAMA5 (laminin subunit alpha 5; minus strand). Cytogenetic location: 20q13.33.
Variant type: single nucleotide variant.
Coding change: c.10090C>G on transcript NM_005560.6 (MANE Select); coding-DNA position 10090, C replaced by G.
Protein change: p.Pro3364Ala; replaces proline 3364 with alanine.
Molecular consequence: missense variant.
Genome position (GRCh38, 1-based): chr20:62,311,093, G>C on the plus strand (C>G on the coding strand, the complement: LAMA5 is on the minus strand). VCF-style: chr20-62311093-G-C. GRCh37 (hg19) VCF-style: chr20-60886149-G-C.
Other names: p.Pro3364Ala; c.10090C>G (NM_005560.3); short protein forms P3364A.
Identifiers: ClinVar variation 2148628 (VCV002148628.19), dbSNP rs200286650, ClinGen allele CA9939921.